The following is an entry in ClinVar:

ClinVar aggregate classification (germline): Conflicting classifications of pathogenicity. Review status: criteria provided, conflicting classifications (1 of 4 stars). 20 submissions from 16 submitters: Uncertain significance (1); Benign (11); Likely benign (7). 1 of the submissions does not count toward it. Last evaluated 2026-07-01.

Conditions:
Dilated cardiomyopathy 1G (CMD1G). Identifiers: Orphanet 154, MedGen C1858763, MONDO:0011400, OMIM 604145.
Autosomal recessive limb-girdle muscular dystrophy type 2J (LGMDR10). Also called: MUSCULAR DYSTROPHY, LIMB-GIRDLE, AUTOSOMAL RECESSIVE 10; Limb-girdle muscular dystrophy, type 2J. Identifiers: Orphanet 140922, MedGen C1837342, MONDO:0012127, OMIM 608807.
Cardiovascular phenotype. Identifiers: MedGen CN230736.
TTN-related disorder. Also called: TTN-related disorders; TTN-related condition; TTN-related disease.
Cardiomyopathy (CMYO). Also called: Cardiomyopathies. Identifiers: Orphanet 167848, MedGen C0878544, MONDO:0004994, HP:0001638. Inheritance: Various modes of inheritance.
Early-onset myopathy with fatal cardiomyopathy (CMYO5). Also called: CONGENITAL MYOPATHY 5 WITH CARDIOMYOPATHY; Salih Myopathy. Identifiers: Orphanet 289377, MedGen C2673677, MONDO:0012714, OMIM 611705. Disease mechanism: loss of function.
Myopathy, myofibrillar, 9, with early respiratory failure (MFM9). Also called: Myopathy, distal, with early respiratory failure, autosomal dominant; Hereditary myopathy with early respiratory failure; MYOPATHY, PROXIMAL, WITH EARLY RESPIRATORY MUSCLE INVOLVEMENT; EDSTROM MYOPATHY. Identifiers: Orphanet 178464, Orphanet 34521, MedGen C1863599, MONDO:0011362, OMIM 603689.
Tibial muscular dystrophy (TMD). Also called: Udd Distal Myopathy – Tibial Muscular Dystrophy; Tibial muscular dystrophy, tardive; UDD MYOPATHY. Identifiers: Orphanet 609, MedGen C1838244, MONDO:0010870, OMIM 600334.

Allele frequency attached by ClinVar (database versions not stated): TOPMed 0.00361; gnomAD 0.00304 and 0.00322; gnomAD exomes 0.00071; 1000 Genomes Project 0.00419; 1000 Genomes Project 30x 0.00422; ESP Exome Variant Server 0.00289.
gnomAD v4.1: 934 of 1,613,366 alleles (0.058%); highest among the groups gnomAD compares: African/African-American, 1%; 5 homozygotes.

Submissions (20):

CeGaT Center for Human Genetics Tuebingen
Classification: Likely benign. Last evaluated: 2026-07-01. Review status: criteria provided, single submitter. Criteria: CeGaT Center For Human Genetics Tuebingen Variant Classification Criteria Version 2. Collection method: clinical testing. Allele origin: germline. Affected: yes. Observed: 2 variant alleles.
Comment: TTN: BS1

Molecular Diagnostic Laboratory for Inherited Cardiovascular Disease, Montreal Heart Institute
Classification: Likely benign. Last evaluated: 2026-03-27. Review status: criteria provided, single submitter. Criteria: ACMG Guidelines, 2015. Collection method: clinical testing. Allele origin: germline. Affected: no.

Labcorp Genetics (formerly Invitae), Labcorp
Classification: Benign for Dilated cardiomyopathy 1G; Autosomal recessive limb-girdle muscular dystrophy type 2J. Last evaluated: 2026-02-03. Review status: criteria provided, single submitter. Criteria: Invitae Variant Classification Sherloc (09022015). Collection method: clinical testing. Allele origin: germline.

Women's Health and Genetics/Laboratory Corporation of America, LabCorp
Classification: Likely benign. Last evaluated: 2024-10-27. Review status: criteria provided, single submitter. Criteria: LabCorp Variant Classification Summary - May 2015. Collection method: clinical testing. Allele origin: germline.

Blueprint Genetics
Classification: Likely benign. Last evaluated: 2024-10-18. Review status: criteria provided, single submitter. Criteria: ACMG Guidelines, 2015. Collection method: clinical testing. Allele origin: germline.

ARUP Laboratories, Molecular Genetics and Genomics, ARUP Laboratories
Classification: Benign. Last evaluated: 2024-07-30. Review status: criteria provided, single submitter. Criteria: ARUP Molecular Germline Variant Investigation Process 2024. Collection method: clinical testing. Allele origin: germline.

CHEO Genetics Diagnostic Laboratory, Children's Hospital of Eastern Ontario
Classification: Benign for Cardiomyopathy. Last evaluated: 2023-06-26. Review status: criteria provided, single submitter. Criteria: ACMG Guidelines, 2015. Collection method: clinical testing. Allele origin: germline. Study: Canadian Open Genetics Repository.

Athena Diagnostics
Classification: Benign. Last evaluated: 2019-06-30. Review status: criteria provided, single submitter. Criteria: Athena Diagnostics Criteria. Collection method: clinical testing. Allele origin: germline.

Illumina Laboratory Services, Illumina
Classification: Benign for Tibial muscular dystrophy. Last evaluated: 2018-01-13. Review status: criteria provided, single submitter. Criteria: ICSL Variant Classification Criteria 13 December 2019. Collection method: clinical testing. Allele origin: germline.
Comment: This variant was observed in the ICSL laboratory as part of a predisposition screen in an ostensibly healthy population. It had not been previously curated by ICSL or reported in the Human Gene Mutation Database (HGMD: prior to June 1st, 2018), and was therefore a candidate for classification through an automated scoring system. Utilizing variant allele frequency, disease prevalence and penetrance estimates, and inheritance mode, an automated score was calculated to assess if this variant is too frequent to cause the disease. Based on the score and internal cut-off values, a variant classified as benign is not then subjected to further curation. The score for this variant resulted in a classification of benign for this disease.

Illumina Laboratory Services, Illumina
Classification: Uncertain significance for Autosomal recessive limb-girdle muscular dystrophy type 2J. Last evaluated: 2018-01-13. Review status: criteria provided, single submitter. Criteria: ICSL Variant Classification Criteria 13 December 2019. Collection method: clinical testing. Allele origin: germline.

Illumina Laboratory Services, Illumina
Classification: Likely benign for Early-onset myopathy with fatal cardiomyopathy. Last evaluated: 2018-01-13. Review status: criteria provided, single submitter. Criteria: ICSL Variant Classification Criteria 13 December 2019. Collection method: clinical testing. Allele origin: germline.
Comment: This variant was observed in the ICSL laboratory as part of a predisposition screen in an ostensibly healthy population. It had not been previously curated by ICSL or reported in the Human Gene Mutation Database (HGMD: prior to June 1st, 2018), and was therefore a candidate for classification through an automated scoring system. Utilizing variant allele frequency, disease prevalence and penetrance estimates, and inheritance mode, an automated score was calculated to assess if this variant is too frequent to cause the disease. Based on the score and internal cut-off values, a variant classified as likely benign is not then subjected to further curation. The score for this variant resulted in a classification of likely benign for this disease.

Illumina Laboratory Services, Illumina
Classification: Benign for Myopathy, myofibrillar, 9, with early respiratory failure. Last evaluated: 2018-01-13. Review status: criteria provided, single submitter. Criteria: ICSL Variant Classification Criteria 13 December 2019. Collection method: clinical testing. Allele origin: germline.
Comment: the same text as in the submission from Illumina Laboratory Services, Illumina above.

Illumina Laboratory Services, Illumina
Classification: Likely benign for Dilated cardiomyopathy 1G. Last evaluated: 2018-01-13. Review status: criteria provided, single submitter. Criteria: ICSL Variant Classification Criteria 13 December 2019. Collection method: clinical testing. Allele origin: germline.
Comment: the same text as in the submission from Illumina Laboratory Services, Illumina above.

Mayo Clinic Laboratories, Mayo Clinic
Classification: Benign. Last evaluated: 2017-11-14. Review status: criteria provided, single submitter. Criteria: ACMG Guidelines, 2015. Collection method: clinical testing. Allele origin: germline. Observed: 6 variant alleles.

Laboratory for Molecular Medicine, Mass General Brigham Personalized Medicine
Classification: Benign. Last evaluated: 2015-10-22. Review status: criteria provided, single submitter. Criteria: LMM Criteria. Collection method: clinical testing. Allele origin: germline. Observed: 10 variant alleles.
Comment: p.Ala21043Val in exon 275 of TTN: This variant is not expected to have clinical significance because it has been identified in 1.1% (104/9744) of African chromo somes by the Exome Aggregation Consortium (ExAC; dbSNP rs72646891).

Eurofins Ntd Llc (ga)
Classification: Benign. Last evaluated: 2015-09-10. Review status: criteria provided, single submitter. Criteria: EGL Classification Definitions 2015. Collection method: clinical testing. Allele origin: germline. Observed: 1 variant allele, 1 heterozygote.

GeneDx
Classification: Benign. Last evaluated: 2014-03-27. Review status: criteria provided, single submitter. Criteria: GeneDx Variant Classification (06012015). Collection method: clinical testing. Allele origin: germline. Affected: yes.
Comment: This variant is considered likely benign or benign based on one or more of the following criteria: it is a conservative change, it occurs at a poorly conserved position in the protein, it is predicted to be benign by multiple in silico algorithms, and/or has population frequency not consistent with disease.

Biesecker Lab/Clinical Genomics Section, National Institutes of Health
Classification: Benign. Last evaluated: 2013-06-24. Review status: criteria provided, single submitter. Criteria: Ng et al. (Circ Cardiovasc Genet. 2013). Collection method: research. Allele origin: unknown. Observed: 1 variant allele. Study: ClinSeq.
Comment: The study set was not selected for affection status in relation to any cancer. Pathogenicity categories were based on literature curation. See Pubmed ID:23861362 for details.

Medical sequencing

Ambry Genetics
Classification: Likely benign for Cardiovascular phenotype. Last evaluated: 2012-12-08. Review status: criteria provided, single submitter. Criteria: Ambry Autosomal Dominant and X-Linked criteria (10/2015). Collection method: clinical testing. Allele origin: germline. Observed: 1 variant allele.

PreventionGenetics, part of Exact Sciences
Classification: Benign for TTN-related condition. Last evaluated: 2019-07-15. Review status: no assertion criteria provided. Collection method: clinical testing. Allele origin: germline. Not counted in ClinVar's aggregate classification.
Comment: This variant is classified as benign based on ACMG/AMP sequence variant interpretation guidelines (Richards et al. 2015 PMID: 25741868, with internal and published modifications).

NM_001267550.2(TTN):c.70832C>T (p.Ala23611Val)

Genes: TTN-AS1 (TTN antisense RNA 1; plus strand), TTN (titin; minus strand). Cytogenetic location: 2q31.2.
Variant type: single nucleotide variant.
Coding change: c.70832C>T on transcript NM_001267550.2 (MANE Select); coding-DNA position 70832, C replaced by T.
Protein change: p.Ala23611Val; replaces alanine 23611 with valine.
Molecular consequence: missense variant.
Genome position (GRCh38, 1-based): chr2:178,575,300, G>A on the plus strand (C>T on the coding strand, the complement: TTN is on the minus strand). VCF-style: chr2-178575300-G-A. GRCh37 (hg19) VCF-style: chr2-179440027-G-A.
Other names: p.A21043V:GCG>GTG; p.Ala21970Val; c.65909C>T, p.Ala21970Val (NM_001256850.1); c.43637C>T, p.Ala14546Val (NM_003319.4); c.63128C>T, p.Ala21043Val (NM_133378.4); c.44012C>T, p.Ala14671Val (NM_133432.3); c.44213C>T, p.Ala14738Val (NM_133437.4); short protein forms A23611V, A21043V, A21970V, A14671V, A14546V, A14738V.
Identifiers: ClinVar variation 47294 (VCV000047294.62), dbSNP rs72646891, ClinGen allele CA283702.